The following is an entry in ClinVar:

NM_000329.3(RPE65):c.806_809delinsTGGAGCCATGAAG (p.Ser269_Leu270delinsMetGluProTer)

Gene: RPE65 (retinoid isomerohydrolase RPE65; minus strand). Cytogenetic location: 1p31.3.
Variant type: Indel.
Coding change: c.806_809delinsTGGAGCCATGAAG on transcript NM_000329.3 (MANE Select); coding-DNA positions 806 to 809, GTCT replaced by TGGAGCCATGAAG.
Protein change: p.Ser269_Leu270delinsMetGluProTer.
Molecular consequence: nonsense.
Genome position (GRCh38, 1-based): chr1:68,439,240-68,439,243, AGAC replaced by CTTCATGGCTCCA on the plus strand (GTCT replaced by TGGAGCCATGAAG on the coding strand, the reverse complement: RPE65 is on the minus strand). VCF-style: chr1-68439240-AGAC-CTTCATGGCTCCA. GRCh37 (hg19) VCF-style: chr1-68904923-AGAC-CTTCATGGCTCCA.
Other names: NM_000329.3:c.806_809delinsTGGAGCCATGAAG; c.698_701delinsTGGAGCCATGAAG, p.Ser233_Leu234delinsMetGluProTer (NM_001406853.1); c.530_533delinsTGGAGCCATGAAG, p.Ser177_Leu178delinsMetGluProTer (NM_001406856.1, NM_001406857.1); c.806_809delinsTGGAGCCATGAAG, p.Ser269_Leu270delinsMetGluProTer (NM_001406859.1); c.806_809delinsTGGAGCCATGAAG (NM_000329.2).
Identifiers: ClinVar variation 3233352 (VCV003233352.2), dbSNP rs2523426476, ClinGen allele CA2695202184.

ClinVar aggregate classification (germline): Pathogenic. Review status: reviewed by expert panel (3 of 4 stars). 2 submissions from 2 submitters: Pathogenic (1). 1 of the submissions does not count toward it. Last evaluated 2024-04-22.

Conditions:
Leber congenital amaurosis (LCA). Also called: Leber's amaurosis. Identifiers: Orphanet 65, MedGen C0339527, MeSH D057130, MONDO:0018998.
RPE65-related recessive retinopathy. Also called: Recessive RPE65 retinopathy. Identifiers: MedGen CN305526, MONDO:0100368.

Submissions (2):

ClinGen Leber Congenital Amaurosis/early Onset Retinal Dystrophy Variant Curation Expert Panel, ClinGen
Classification: Pathogenic for RPE65-related recessive retinopathy. Last evaluated: 2024-04-22. Review status: reviewed by expert panel. Criteria: ClinGen LCAeoRD ACMG Specifications RPE65 V1.0.0. Collection method: curation. Allele origin: germline. Inheritance: Autosomal recessive inheritance.
Comment: The NM_000329.3(RPE65):c.806_809delinsTGGAGCCATGAAG (p.Ser269MetfsTer4) variant is a frameshift variant that introduces a premature stop codon into exon 8 of 14, and is predicted to lead to nonsense-mediated decay in a gene in which loss-of-function is an established mechanism of disease (PVS1). This variant is absent from gnomAD v2.1.1 (PM2_Supporting). At least one proband harboring this variant exhibits a phenotype including Severely decreased rod ERG (0.5 pt), previous exome, genome or 100+ retinal dystrophy gene panel testing that did not provide an alternative explanation for visual impairment (2 pt), symptomatic onset between birth and age five years (1 pt), and evidence of cone involvement on ERG (1 pt), which together are specific for RPE65-related recessive retinopathy (4.5 points, PMID: 33952291, PP4). This variant has been reported in at least 1 proband with early-onset severe retinal dystrophy who was compound heterozygous with the c.1444G>A Asp482Asn variant confirmed in trans (PMID: 33952291). However, this case was not considered for this variant to avoid circularity in the use of the PM3 code. In summary, this variant meets the criteria to be classified as Pathogenic for RPE65-related recessive retinopathy based on the ACMG/AMP criteria applied, as specified by the ClinGen LCA/eoRD VCEP: PVS1, PM2_Supporting, PP4 (VCEP specifications version 1.0.0; date of approval 09/21/2023).

Natera, Inc.
Classification: Likely pathogenic for Leber congenital amaurosis. Last evaluated: 2024-05-20. Review status: criteria provided, single submitter. Criteria: Natera Variant Classification Schema (03/2026). Collection method: clinical testing. Allele origin: germline. Not counted in ClinVar's aggregate classification.
Comment: The c.806_809delinsTGGAGCCATGAAG variant in RPE65 is a deletion-insertion (delins) variant predicted to replace one or more nucleotides with a different sequence. This variant is expected to result in nonsense mediated decay, truncation, or a dysfunctional protein product. This variant is rare in the general population with a frequency below the threshold expected for the associated phenotype(s). Given the available evidence, this variant is classified as Likely Pathogenic.